The following is an entry in ClinVar:

ClinVar aggregate classification (germline): Uncertain significance (1 of 4 stars; one submission).

gnomAD v4.1: 4 of 1,593,806 alleles (0.00025%); highest among the groups gnomAD compares: Non-Finnish European, 0.00034%; no homozygotes.

Submission:

Labcorp Genetics (formerly Invitae), Labcorp
Classification: Uncertain significance. Last evaluated: 2025-01-23. Review status: criteria provided, single submitter. Criteria: Invitae Variant Classification Sherloc (09022015). Collection method: clinical testing. Allele origin: germline.
Comment: This sequence change replaces alanine, which is neutral and non-polar, with threonine, which is neutral and polar, at codon 407 of the ITGAM protein (p.Ala407Thr). This variant is not present in population databases (gnomAD no frequency). This variant has not been reported in the literature in individuals affected with ITGAM-related conditions. An algorithm developed to predict the effect of missense changes on protein structure and function (PolyPhen-2) suggests that this variant is likely to be disruptive. In summary, the available evidence is currently insufficient to determine the role of this variant in disease. Therefore, it has been classified as a Variant of Uncertain Significance.

NM_000632.4(ITGAM):c.1219G>A (p.Ala407Thr)

Gene: ITGAM (integrin subunit alpha M; plus strand). Cytogenetic location: 16p11.2.
Variant type: single nucleotide variant.
Coding change: c.1219G>A on transcript NM_000632.4 (MANE Select); coding-DNA position 1219, G replaced by A.
Protein change: p.Ala407Thr; replaces alanine 407 with threonine.
Molecular consequence: missense variant.
Genome position (GRCh38, 1-based): chr16:31,277,972, G>A. VCF-style: chr16-31277972-G-A. GRCh37 (hg19) VCF-style: chr16-31289293-G-A.
Other names: c.1219G>A, p.Ala407Thr (NM_001145808.2); short protein forms A407T.
Identifiers: ClinVar variation 3710523 (VCV003710523.2).